The following is an entry in ClinVar:

NM_000038.6(APC):c.6781C>G (p.Pro2261Ala)

Gene: APC (APC regulator of Wnt signaling pathway; plus strand). Cytogenetic location: 5q22.2.
Variant type: single nucleotide variant.
Coding change: c.6781C>G on transcript NM_000038.6 (MANE Select); coding-DNA position 6781, C replaced by G.
Protein change: p.Pro2261Ala; replaces proline 2261 with alanine.
Molecular consequence: missense variant.
Genome position (GRCh38, 1-based): chr5:112,842,375, C>G. VCF-style: chr5-112842375-C-G. GRCh37 (hg19) VCF-style: chr5-112178072-C-G.
Other names: c.6727C>G, p.Pro2243Ala (NM_001127511.3); c.6781C>G, p.Pro2261Ala (NM_001354895.2, NM_001127510.3); c.6835C>G, p.Pro2279Ala (NM_001354896.2); c.6811C>G, p.Pro2271Ala (NM_001354897.2); c.6706C>G, p.Pro2236Ala (NM_001354898.2); c.6697C>G, p.Pro2233Ala (NM_001354899.2); c.6658C>G, p.Pro2220Ala (NM_001354900.2); c.6604C>G, p.Pro2202Ala (NM_001354901.2); and 5 more; short protein forms P2261A, P2243A, P2220A, P2233A, P2170A, P2202A, P2271A, P2101A.
Identifiers: ClinVar variation 569121 (VCV000569121.14), dbSNP rs1370948333, ClinGen allele CA16036142.
Genomic context (GRCh38, chr5:112,842,375, plus strand): 5'-TCAAGTACAAGTCCTGTTTCTAAAAAAGGCCCACCCCTTAAGACTCCAGCCTCCAAAAGC[C>G]CTAGTGAAGGTCAAACAGCCACCACTTCTCCTAGAGGAGCCAAGCCATCTGTGAAATCAG-3'
Protein context (NP_000029.2, residues 2251-2271): PPLKTPASKS[Pro2261Ala]SEGQTATTSP

ClinVar aggregate classification (germline): Uncertain significance. Review status: criteria provided, multiple submitters, no conflicts (2 of 4 stars). 3 submissions from 3 submitters: Uncertain significance (3). Last evaluated 2025-06-20.

Conditions:
Familial adenomatous polyposis 1 (FAP1). Also called: POLYPOSIS, ADENOMATOUS INTESTINAL; FAMILIAL ADENOMATOUS POLYPOSIS 1, ATTENUATED. Identifiers: MedGen C2713442, MONDO:0021056, OMIM 175100. Disease mechanism: loss of function.
Classic or attenuated familial adenomatous polyposis. Identifiers: MedGen CN372698, MONDO:0021057.
Hereditary cancer-predisposing syndrome. Also called: Hereditary neoplastic syndrome; Tumor predisposition; Neoplastic Syndromes, Hereditary; Hereditary Cancer Syndrome. Identifiers: Orphanet 140162, MedGen C0027672, MeSH D009386, MONDO:0015356.

gnomAD v4.1: 1 of 1,614,044 alleles (0.000062%); highest among the groups gnomAD compares: Non-Finnish European, 0.000085%; no homozygotes.

Submissions (3):

Ambry Genetics
Classification: Uncertain significance for Hereditary cancer-predisposing syndrome. Last evaluated: 2025-06-20. Review status: criteria provided, single submitter. Criteria: Ambry Variant Classification Scheme 2023. Collection method: clinical testing. Allele origin: germline.
Comment: The p.P2261A variant (also known as c.6781C>G), located in coding exon 15 of the APC gene, results from a C to G substitution at nucleotide position 6781. The proline at codon 2261 is replaced by alanine, an amino acid with highly similar properties. This amino acid position is highly conserved in available vertebrate species. In addition, in silico predictors for this gene do not accurately predict pathogenicity. Missense alterations in APC are not a common cause of disease (Spier I et al. Genet Med. 2024 Feb;26(2):100992). Based on the available evidence, the clinical significance of this variant remains unclear.

All of Us Research Program, National Institutes of Health
Classification: Uncertain significance for Classic or attenuated familial adenomatous polyposis. Last evaluated: 2023-11-30. Review status: criteria provided, single submitter. Criteria: ACMG Guidelines, 2015. Collection method: clinical testing. Allele origin: germline. Inheritance: Autosomal dominant inheritance. Observed: 1 variant allele, 1 heterozygote.
Comment: This study involves interpretation of variants in research participants for the purpose of population health screening. Participant phenotype was not available at the time of variant classification. Additional details can be found in publication PMID: 35346344, PMCID: PMC8962531

Labcorp Genetics (formerly Invitae), Labcorp
Classification: Uncertain significance for Familial adenomatous polyposis 1. Last evaluated: 2022-01-28. Review status: criteria provided, single submitter. Criteria: Invitae Variant Classification Sherloc (09022015). Collection method: clinical testing. Allele origin: germline.
Comment: This sequence change replaces proline, which is neutral and non-polar, with alanine, which is neutral and non-polar, at codon 2261 of the APC protein (p.Pro2261Ala). In summary, the available evidence is currently insufficient to determine the role of this variant in disease. Therefore, it has been classified as a Variant of Uncertain Significance. Algorithms developed to predict the effect of missense changes on protein structure and function are either unavailable or do not agree on the potential impact of this missense change (SIFT: "Tolerated"; PolyPhen-2: "Possibly Damaging"; Align-GVGD: "Class C0"). ClinVar contains an entry for this variant (Variation ID: 569121). This variant has not been reported in the literature in individuals affected with APC-related conditions. This variant is not present in population databases (gnomAD no frequency).